The following is an entry in ClinVar:

NM_001369.3(DNAH5):c.2461A>G (p.Asn821Asp)

Genes: DNAH5 (dynein axonemal heavy chain 5; minus strand), DNAH5-AS1 (DNAH5 antisense RNA 1; plus strand). Cytogenetic location: 5p15.2.
Variant type: single nucleotide variant.
Coding change: c.2461A>G on transcript NM_001369.3 (MANE Select); coding-DNA position 2461, A replaced by G.
Protein change: p.Asn821Asp; replaces asparagine 821 with aspartic acid.
Molecular consequence: missense variant.
Genome position (GRCh38, 1-based): chr5:13,891,092, T>C on the plus strand (A>G on the coding strand, the complement: DNAH5 is on the minus strand). VCF-style: chr5-13891092-T-C. GRCh37 (hg19) VCF-style: chr5-13891201-T-C.
Other names: c.2461A>G (NM_001369.2); short protein forms N821D.
Identifiers: ClinVar variation 1896068 (VCV001896068.4), dbSNP rs138346465, ClinGen allele CA3204580.
Genomic context (GRCh38, chr5:13,891,092, plus strand): 5'-AAAGAGGCGTGCTGCTCATTTCTTCTAGAATGGCATCAATGCGGAACTCAATCAAATCAT[T>C]GACCCTGTCAAGCAGCAACTCCAGGTCCTCTTTGGGAAAAAATAAAAGTAAATAAAAGAG-3'
Protein context (NP_001360.1, residues 811-831): KDLELLLDRV[Asn821Asp]DLIEFRIDAI

ClinVar aggregate classification (germline): Uncertain significance. Review status: criteria provided, multiple submitters, no conflicts (2 of 4 stars). 3 submissions from 3 submitters: Uncertain significance (3). Last evaluated 2024-10-14.

Conditions:
Primary ciliary dyskinesia. Also called: Ciliary dyskinesia. Identifiers: Orphanet 244, MedGen C0008780, MONDO:0016575, HP:0012265.

Allele frequency attached by ClinVar (database versions not stated): ExAC 0.00004; TOPMed 0.00001; gnomAD 0.00001; ESP Exome Variant Server 0.00008; gnomAD exomes 0.00004.
gnomAD v4.1: 60 of 1,614,002 alleles (0.0037%); highest among the groups gnomAD compares: Non-Finnish European, 0.005%; no homozygotes.

Submissions (3):

Ambry Genetics
Classification: Uncertain significance for Primary ciliary dyskinesia. Last evaluated: 2024-10-14. Review status: criteria provided, single submitter. Criteria: Ambry Variant Classification Scheme 2023. Collection method: clinical testing. Allele origin: germline.
Comment: The p.N821D variant (also known as c.2461A>G), located in coding exon 17 of the DNAH5 gene, results from an A to G substitution at nucleotide position 2461. The asparagine at codon 821 is replaced by aspartic acid, an amino acid with highly similar properties. This amino acid position is conserved. In addition, this alteration is predicted to be tolerated by in silico analysis. Based on the available evidence, the clinical significance of this variant remains unclear.

Molecular Genetics McLendon Clinical Laboratories, University of North Carolina at Chapel Hill
Classification: Uncertain significance for Primary ciliary dyskinesia. Last evaluated: 2023-12-14. Review status: criteria provided, single submitter. Criteria: ACMG Guidelines, 2015. Collection method: clinical testing. Allele origin: germline.

Labcorp Genetics (formerly Invitae), Labcorp
Classification: Uncertain significance for Primary ciliary dyskinesia. Last evaluated: 2022-02-23. Review status: criteria provided, single submitter. Criteria: Invitae Variant Classification Sherloc (09022015). Collection method: clinical testing. Allele origin: germline.
Comment: This sequence change replaces asparagine, which is neutral and polar, with aspartic acid, which is acidic and polar, at codon 821 of the DNAH5 protein (p.Asn821Asp). This variant is present in population databases (rs138346465, gnomAD 0.006%). This variant has not been reported in the literature in individuals affected with DNAH5-related conditions. Advanced modeling of protein sequence and biophysical properties (such as structural, functional, and spatial information, amino acid conservation, physicochemical variation, residue mobility, and thermodynamic stability) performed at Invitae indicates that this missense variant is not expected to disrupt DNAH5 protein function. In summary, the available evidence is currently insufficient to determine the role of this variant in disease. Therefore, it has been classified as a Variant of Uncertain Significance.